The following is an entry in ClinVar:

ClinVar aggregate classification (germline): Uncertain significance. Review status: criteria provided, multiple submitters, no conflicts (2 of 4 stars). 2 submissions from 2 submitters: Uncertain significance (2). Last evaluated 2025-12-10.

Conditions:
Inborn genetic diseases. Identifiers: MedGen C0950123, MeSH D030342.

Allele frequency attached by ClinVar (database versions not stated): gnomAD exomes below 0.00001; TOPMed below 0.00001; gnomAD 0.00001.
gnomAD v4.1: 4 of 1,606,058 alleles (0.00025%); highest among the groups gnomAD compares: Non-Finnish European, 0.00034%; no homozygotes.

Submissions (2):

Ambry Genetics
Classification: Uncertain significance for Inborn genetic diseases. Last evaluated: 2025-12-10. Review status: criteria provided, single submitter. Criteria: Ambry Variant Classification Scheme 2023. Collection method: clinical testing. Allele origin: germline.

Labcorp Genetics (formerly Invitae), Labcorp
Classification: Uncertain significance. Last evaluated: 2025-09-08. Review status: criteria provided, single submitter. Criteria: Invitae Variant Classification Sherloc (09022015). Collection method: clinical testing. Allele origin: germline.
Comment: This sequence change replaces valine, which is neutral and non-polar, with methionine, which is neutral and non-polar, at codon 933 of the LONP1 protein (p.Val933Met). This variant is not present in population databases (gnomAD no frequency). This variant has not been reported in the literature in individuals affected with LONP1-related conditions. ClinVar contains an entry for this variant (Variation ID: 1348593). Invitae Evidence Modeling of protein sequence and biophysical properties (such as structural, functional, and spatial information, amino acid conservation, physicochemical variation, residue mobility, and thermodynamic stability) has been performed for this missense variant. However, the output from this modeling did not meet the statistical confidence thresholds required to predict the impact of this variant on LONP1 protein function. In summary, the available evidence is currently insufficient to determine the role of this variant in disease. Therefore, it has been classified as a Variant of Uncertain Significance.

NM_004793.4(LONP1):c.2797G>A (p.Val933Met)

Gene: LONP1 (lon peptidase 1, mitochondrial; minus strand). Cytogenetic location: 19p13.3.
Variant type: single nucleotide variant.
Coding change: c.2797G>A on transcript NM_004793.4 (MANE Select); coding-DNA position 2797, G replaced by A.
Protein change: p.Val933Met; replaces valine 933 with methionine.
Molecular consequence: missense variant. On other transcripts: non-coding transcript variant (1).
Genome position (GRCh38, 1-based): chr19:5,692,115, C>T on the plus strand (G>A on the coding strand, the complement: LONP1 is on the minus strand). VCF-style: chr19-5692115-C-T. GRCh37 (hg19) VCF-style: chr19-5692126-C-T.
Other names: c.2605G>A, p.Val869Met (NM_001276479.2); c.2209G>A, p.Val737Met (NM_001276480.1); c.2797G>A (NM_004793.2); short protein forms V869M, V737M, V933M.
Identifiers: ClinVar variation 1348593 (VCV001348593.7), dbSNP rs2054835056, ClinGen allele CA403524934.
Genomic context (GRCh38, chr19:5,692,115, plus strand): 5'-CTGCCTGCTCGTCCGGGAAGGCGATGTCGAAGATCTCCCGGTAGTGTTCCACGAAGTGCA[C>T]CTCCAGGCCCTCGGTGATGAAGGCTGCCAGGTCGTAGAAGTCCTTCTTGTTCTCGGCTGG-3'
Protein context (NP_004784.2, residues 923-943): LAAFITEGLE[Val933Met]HFVEHYREIF